The following is an entry in ClinVar:

NM_000492.4(CFTR):c.869+1G>C

Gene: CFTR (CF transmembrane conductance regulator; plus strand). Cytogenetic location: 7q31.2.
Variant type: single nucleotide variant.
Coding change: c.869+1G>C on transcript NM_000492.4 (MANE Select); the canonical splice donor site of the intron after coding-DNA position 869, G replaced by C.
Molecular consequence: splice donor variant.
Genome position (GRCh38, 1-based): chr7:117,536,674, G>C. VCF-style: chr7-117536674-G-C. GRCh37 (hg19) VCF-style: chr7-117176728-G-C.
Identifiers: ClinVar variation 597514 (VCV000597514.10), dbSNP rs1330431481, ClinGen allele CA368977594.

ClinVar aggregate classification (germline): Pathogenic/Likely pathogenic. Review status: criteria provided, multiple submitters, no conflicts (2 of 4 stars). 4 submissions from 4 submitters: Pathogenic (1); Likely pathogenic (3). Last evaluated 2025-09-24.

Conditions:
Hereditary pancreatitis (PCTT). Also called: Hereditary chronic pancreatitis; PRSS1-Related Hereditary Pancreatitis. Identifiers: Orphanet 676, MedGen C0238339, MONDO:0008185, OMIM 167800.
Cystic fibrosis (CF). Also called: MUCOVISCIDOSIS. Identifiers: Orphanet 586, MedGen C0010674, MONDO:0009061, OMIM 219700. Disease mechanism: loss of function.
Bronchiectasis with or without elevated sweat chloride 1 (BESC1). Also called: Cystic Fibrosis-Like Syndrome. Identifiers: Orphanet 60033, MedGen C2749757, MONDO:0008887, OMIM 211400.

Submissions (4):

Ambry Genetics
Classification: Likely pathogenic for Cystic fibrosis. Last evaluated: 2025-09-24. Review status: criteria provided, single submitter. Criteria: Ambry Variant Classification Scheme 2023. Collection method: clinical testing. Allele origin: germline.
Comment: The c.869+1G>C intronic variant results from a G to C substitution one nucleotide after coding exon 7 of the CFTR gene. Alterations that disrupt the canonical splice site are expected to result in aberrant splicing. In silico splice site analysis predicts that this alteration will weaken the native splice donor site. A resulting transcript is predicted to be in-frame and is not expected to trigger nonsense-mediated mRNAdecay; although, direct evidence is unavailable. However, the region predicted to be impacted is critical for protein function (Ambry internal data). Other variant(s) impacting the same donor site (c.869+3A>T) have been identified in individual(s) with features consistent with cystic fibrosis or CFTR-related disorders (Schrijver I et al. Am J Med Genet A, 2005 Feb;133A:103-5; Fa&agrave; V et al. J Mol Diagn, 2006 Sep;8:499-503; Yuan P et al. Andrology, 2019 May;7:329-340; Ambry internal data). This variant is considered to be rare based on population cohorts in the Genome Aggregation Database (gnomAD). This nucleotide position is highly conserved in available vertebrate species. Based on the majority of available evidence to date, this variant is likely to be pathogenic.

Women's Health and Genetics/Laboratory Corporation of America, LabCorp
Classification: Likely pathogenic for Hereditary pancreatitis. Last evaluated: 2025-06-04. Review status: criteria provided, single submitter. Criteria: LabCorp Variant Classification Summary - May 2015. Collection method: clinical testing. Allele origin: germline.
Comment: Variant summary: CFTR c.869+1G>C is located in a canonical splice-site and is predicted to affect mRNA splicing resulting in a significantly altered protein due to either exon skipping, shortening, or inclusion of intronic material. Variants that disrupt the consensus splice site are a relatively common cause of aberrant splicing and loss of CFTR function. The frequency data for this variant in gnomAD is considered unreliable, as metrics indicate poor data quality at this position. To our knowledge, no occurrence of c.869+1G>C in individuals affected with Chronic Pancreatitis Risk and no experimental evidence demonstrating its impact on protein function have been reported. ClinVar contains an entry for this variant (Variation ID: 597514). Based on the evidence outlined above, the variant was classified as likely pathogenic.

Baylor Genetics
Classification: Likely pathogenic for Bronchiectasis with or without elevated sweat chloride 1. Last evaluated: 2023-02-08. Review status: criteria provided, single submitter. Criteria: ACMG Guidelines, 2015. Collection method: clinical testing. Allele origin: unknown.

Eurofins Ntd Llc (ga)
Classification: Pathogenic. Last evaluated: 2018-06-14. Review status: criteria provided, single submitter. Criteria: EGL ClinVar v180209 classification definitions. Collection method: clinical testing. Allele origin: germline. Observed: 1 variant allele, 1 heterozygote.